The following is an entry in ClinVar:

ClinVar aggregate classification (germline): Uncertain significance. Review status: criteria provided, multiple submitters, no conflicts (2 of 4 stars). 2 submissions from 2 submitters: Uncertain significance (2). Last evaluated 2025-04-06.

Conditions:
Inborn genetic diseases. Identifiers: MedGen C0950123, MeSH D030342.
Osteogenesis imperfecta type 7 (OI7). Also called: OSTEOGENESIS IMPERFECTA, TYPE IIB; Osteogenesis imperfecta type 2B; OI type 2B; Osteogenesis imperfecta, perinatal lethal autosomal recessive; OI type IIB; OI type 7. Identifiers: MedGen C1853162, MONDO:0012536, OMIM 610682.

Allele frequency attached by ClinVar (database versions not stated): gnomAD exomes 0.00001; ExAC 0.00004; gnomAD 0.00008; ESP Exome Variant Server 0.00009; TOPMed 0.00009; 1000 Genomes Project 30x 0.00016; 1000 Genomes Project 0.00060.
gnomAD v4.1: 31 of 1,552,418 alleles (0.002%); highest among the groups gnomAD compares: African/African-American, 0.038%; no homozygotes.

Submissions (2):

Ambry Genetics
Classification: Uncertain significance for Inborn genetic diseases. Last evaluated: 2025-04-06. Review status: criteria provided, single submitter. Criteria: Ambry Variant Classification Scheme 2023. Collection method: clinical testing. Allele origin: germline.

Labcorp Genetics (formerly Invitae), Labcorp
Classification: Uncertain significance for Osteogenesis imperfecta type 7. Last evaluated: 2022-07-05. Review status: criteria provided, single submitter. Criteria: Invitae Variant Classification Sherloc (09022015). Collection method: clinical testing. Allele origin: germline.
Comment: This sequence change replaces arginine, which is basic and polar, with histidine, which is basic and polar, at codon 78 of the CRTAP protein (p.Arg78His). The frequency data for this variant in the population databases is considered unreliable, as metrics indicate poor data quality at this position in the gnomAD database. This variant has not been reported in the literature in individuals affected with CRTAP-related conditions. ClinVar contains an entry for this variant (Variation ID: 1399562). Algorithms developed to predict the effect of missense changes on protein structure and function are either unavailable or do not agree on the potential impact of this missense change (SIFT: "Deleterious"; PolyPhen-2: "Probably Damaging"; Align-GVGD: "Class C0"). In summary, the available evidence is currently insufficient to determine the role of this variant in disease. Therefore, it has been classified as a Variant of Uncertain Significance.

NM_006371.5(CRTAP):c.233G>A (p.Arg78His)

Gene: CRTAP (cartilage associated protein; plus strand). Cytogenetic location: 3p22.3.
Variant type: single nucleotide variant.
Coding change: c.233G>A on transcript NM_006371.5 (MANE Select); coding-DNA position 233, G replaced by A.
Protein change: p.Arg78His; replaces arginine 78 with histidine.
Molecular consequence: missense variant.
Genome position (GRCh38, 1-based): chr3:33,114,310, G>A. VCF-style: chr3-33114310-G-A. GRCh37 (hg19) VCF-style: chr3-33155802-G-A.
Other names: c.233G>A (NM_006371.4); c.233G>A, p.Arg78His (NM_001393363.1, NM_001393364.1, NM_001393365.1); short protein forms R78H.
Identifiers: ClinVar variation 1399562 (VCV001399562.5), dbSNP rs372600896, ClinGen allele CA2300230.
Genomic context (GRCh38, chr3:33,114,310, plus strand): 5'-AGCACTGGGCCGAGAGCGTGGGCTACCTGGAGATCAGCCTGCGGCTGCACCGCTTGCTGC[G>A]CGACAGCGAGGCCTTCTGCCACCGCAACTGCAGCGCCGCGCCGCAGCCCGAGCCCGCCGC-3'
Protein context (NP_006362.1, residues 68-88): EISLRLHRLL[Arg78His]DSEAFCHRNC